The following is an entry in ClinVar:

NM_012418.4(FSCN2):c.908G>A (p.Cys303Tyr)

Gene: FSCN2 (fascin actin-bundling protein 2, retinal; plus strand). Cytogenetic location: 17q25.3.
Variant type: single nucleotide variant.
Coding change: c.908G>A on transcript NM_012418.4 (MANE Select); coding-DNA position 908, G replaced by A.
Protein change: p.Cys303Tyr; replaces cysteine 303 with tyrosine.
Molecular consequence: missense variant.
Genome position (GRCh38, 1-based): chr17:81,535,133, G>A. VCF-style: chr17-81535133-G-A. GRCh37 (hg19) VCF-style: chr17-79502159-G-A.
Other names: c.908G>A, p.Cys303Tyr (NM_001077182.3); short protein forms C303Y.
Identifiers: ClinVar variation 2068520 (VCV002068520.4), dbSNP rs764749597, ClinGen allele CA8836900.

ClinVar aggregate classification (germline): Uncertain significance (1 of 4 stars; one submission).

Allele frequency attached by ClinVar (database versions not stated): TOPMed 0.00001; gnomAD 0.00001; ExAC 0.00006; gnomAD exomes 0.00001.
gnomAD v4.1: 15 of 1,533,488 alleles (0.00098%); highest among the groups gnomAD compares: Admixed American, 0.02%; no homozygotes.

Submission:

Labcorp Genetics (formerly Invitae), Labcorp
Classification: Uncertain significance. Last evaluated: 2022-08-05. Review status: criteria provided, single submitter. Criteria: Invitae Variant Classification Sherloc (09022015). Collection method: clinical testing. Allele origin: germline.
Comment: In summary, the available evidence is currently insufficient to determine the role of this variant in disease. Therefore, it has been classified as a Variant of Uncertain Significance. Algorithms developed to predict the effect of missense changes on protein structure and function are either unavailable or do not agree on the potential impact of this missense change (SIFT: "Tolerated"; PolyPhen-2: "Probably Damaging"; Align-GVGD: "Class C0"). This missense change has been observed in individual(s) with retinitis pigmentosa (PMID: 28157192). This variant is present in population databases (rs764749597, gnomAD 0.01%). This sequence change replaces cysteine, which is neutral and slightly polar, with tyrosine, which is neutral and polar, at codon 303 of the FSCN2 protein (p.Cys303Tyr).

Literature cited by the submitters: PubMed 28157192.